The following is an entry in ClinVar:

ClinVar aggregate classification (germline): Likely benign. Review status: criteria provided, single submitter (1 of 4 stars). 2 submissions from 2 submitters: Likely benign (1). 1 of the submissions does not count toward it. Last evaluated 2021-01-05.

Conditions:
ITPR1-related disorder. Also called: ITPR1-related condition.

Allele frequency attached by ClinVar (database versions not stated): gnomAD 0.00001; TOPMed 0.00001.
gnomAD v4.1: 14 of 1,613,902 alleles (0.00087%); highest among the groups gnomAD compares: East Asian, 0.0022%; no homozygotes.

Submissions (2):

Athena Diagnostics
Classification: Likely benign. Last evaluated: 2021-01-05. Review status: criteria provided, single submitter. Criteria: Athena Diagnostics criteria. Collection method: clinical testing. Allele origin: unknown.

PreventionGenetics, part of Exact Sciences
Classification: Likely benign for ITPR1-related condition. Last evaluated: 2019-08-29. Review status: no assertion criteria provided. Collection method: clinical testing. Allele origin: germline. Not counted in ClinVar's aggregate classification.
Comment: This variant is classified as likely benign based on ACMG/AMP sequence variant interpretation guidelines (Richards et al. 2015 PMID: 25741868, with internal and published modifications).

NM_001378452.1(ITPR1):c.5835C>T (p.Asp1945=)

Gene: ITPR1 (inositol 1,4,5-trisphosphate receptor type 1; plus strand). Cytogenetic location: 3p26.1.
Variant type: single nucleotide variant.
Coding change: c.5835C>T on transcript NM_001378452.1 (MANE Select); coding-DNA position 5835, C replaced by T.
Protein change: p.Asp1945=; no amino-acid change (aspartic acid 1945 retained).
Molecular consequence: synonymous variant.
Genome position (GRCh38, 1-based): chr3:4,768,620, C>T. VCF-style: chr3-4768620-C-T. GRCh37 (hg19) VCF-style: chr3-4810304-C-T.
Other names: c.5691C>T, p.Asp1897= (NM_001099952.4); c.5790C>T, p.Asp1930= (NM_001168272.2); c.5646C>T, p.Asp1882= (NM_002222.7); c.5646C>T (NM_002222.5).
Identifiers: ClinVar variation 1256609 (VCV001256609.3), dbSNP rs201949292, ClinGen allele CA68816939.
Genomic context (GRCh38, chr3:4,768,620, plus strand): 5'-GGAGGCCTCCGCTGCCACCAGGAAAGCCTTCACCACTTTCAGGAGGGAGGCTGATCCCGA[C>T]GACCACTACCAGCCTGGAGAGGGCACCCAGGCCACTGCCGACAAGGCCAAGGACGACCTG-3'
Protein context (NP_001365381.1, residues 1935-1955): FTTFRREADP[Asp1945=]DHYQPGEGTQ